The following is an entry in ClinVar:

ClinVar aggregate classification (germline): Likely pathogenic (1 of 4 stars; one submission).

Conditions:
Intellectual disability, X-linked 102 (MRXSSB). Also called: Intellectual developmental disorder, X-linked syndromic, Snijders Blok type. Identifiers: Orphanet 457260, MedGen C5393299, MONDO:0010497, OMIM 300958.

Submission:

Molecular Genetics Department, Kulakov National Medical Research Center for Obstetrics, Gynecology and Perinatology
Classification: Likely pathogenic for Intellectual disability, X-linked 102. Review status: criteria provided, single submitter. Criteria: ACMG Guidelines, 2015. Collection method: clinical testing. Allele origin: de novo. Affected: yes.
Comment: A previously undescribed nucleotide variant creates a missense p.Ala322Val in the DDX3X gene. Heterozygous and hemizygous variants are reported in patients with Intellectual developmental disorder, X-linked syndromic, Snijders Blok type, 300958, while some of those patients were reported to have heart defects [Lennox et al., 2020, PMID: 32135084]. The variant is not present in population database (gnomAD no frequency). In summary, the currently available evidence indicates that the variant is pathogenic, but additional data are needed to prove that conclusively. Therefore, this variant has been classified as likely pathogenic.

NM_001356.5(DDX3X):c.965C>T (p.Ala322Val)

Gene: DDX3X (DEAD-box helicase 3 X-linked; plus strand). Cytogenetic location: Xp11.4.
Variant type: single nucleotide variant.
Coding change: c.965C>T on transcript NM_001356.5 (MANE Select); coding-DNA position 965, C replaced by T.
Protein change: p.Ala322Val; replaces alanine 322 with valine.
Molecular consequence: missense variant. On other transcripts: non-coding transcript variant (1).
Genome position (GRCh38, 1-based): chrX:41,344,339, C>T. VCF-style: chrX-41344339-C-T. GRCh37 (hg19) VCF-style: chrX-41203592-C-T.
Other names: c.965C>T, p.Ala322Val (NM_001193416.3); c.917C>T, p.Ala306Val (NM_001193417.3); c.407C>T, p.Ala136Val (NM_001363819.1); short protein forms A136V, A306V, A322V.
Identifiers: ClinVar variation 3062244 (VCV003062244.1), dbSNP rs2519515302, ClinGen allele CA412771067.